The following is an entry in ClinVar:

NM_000093.5(COL5A1):c.4836C>T (p.Phe1612=)

Genes: COL5A1 (collagen type V alpha 1 chain; plus strand), LOC101448202 (uncharacterized LOC101448202; minus strand). Cytogenetic location: 9q34.3.
Variant type: single nucleotide variant.
Coding change: c.4836C>T on transcript NM_000093.5 (MANE Select); coding-DNA position 4836, C replaced by T.
Protein change: p.Phe1612=; no amino-acid change (phenylalanine 1612 retained).
Molecular consequence: synonymous variant.
Genome position (GRCh38, 1-based): chr9:134,824,737, C>T. VCF-style: chr9-134824737-C-T. GRCh37 (hg19) VCF-style: chr9-137716583-C-T.
Other names: c.4836C>T, p.Phe1612= (NM_001278074.1).
Identifiers: ClinVar variation 529295 (VCV000529295.16), dbSNP rs183904215, ClinGen allele CA5320489.

ClinVar aggregate classification (germline): Likely benign. Review status: criteria provided, multiple submitters, no conflicts (2 of 4 stars). 3 submissions from 3 submitters: Likely benign (2). 1 of the submissions does not count toward it. Last evaluated 2025-11-05.

Conditions:
COL5A1-related disorder. Also called: COL5A1-related condition.
Familial thoracic aortic aneurysm and aortic dissection (TAAD). Also called: Thoracic aortic aneurysms and dissections. Identifiers: Orphanet 91387, MedGen C4707243, MONDO:0019625.
Ehlers-Danlos syndrome, classic type, 1 (EDSCL1). Also called: Ehlers-Danlos Syndrome, Classic Type, COL5A1-Related; EDS I; Ehlers-Danlos syndrome, type 1; EHLERS-DANLOS SYNDROME, GRAVIS TYPE; EHLERS-DANLOS SYNDROME, SEVERE CLASSIC TYPE. Identifiers: MedGen C0268335, MONDO:0019567, OMIM 130000.

Allele frequency attached by ClinVar (database versions not stated): TOPMed 0.00008; 1000 Genomes Project 0.00040; gnomAD 0.00003 and 0.00005; 1000 Genomes Project 30x 0.00047; ExAC 0.00006; gnomAD exomes 0.00012 and 0.00003.
gnomAD v4.1: 46 of 1,614,200 alleles (0.0028%); highest among the groups gnomAD compares: East Asian, 0.069%; no homozygotes.

Submissions (3):

Labcorp Genetics (formerly Invitae), Labcorp
Classification: Likely benign for Ehlers-Danlos syndrome, classic type, 1. Last evaluated: 2025-11-05. Review status: criteria provided, single submitter. Criteria: Invitae Variant Classification Sherloc (09022015). Collection method: clinical testing. Allele origin: germline.

Ambry Genetics
Classification: Likely benign for Familial thoracic aortic aneurysm and aortic dissection. Last evaluated: 2019-03-19. Review status: criteria provided, single submitter. Criteria: Ambry Variant Classification Scheme 2023. Collection method: clinical testing. Allele origin: germline.

PreventionGenetics, part of Exact Sciences
Classification: Likely benign for COL5A1-related condition. Last evaluated: 2024-07-31. Review status: no assertion criteria provided. Collection method: clinical testing. Allele origin: germline. Not counted in ClinVar's aggregate classification.
Comment: This variant is classified as likely benign based on ACMG/AMP sequence variant interpretation guidelines (Richards et al. 2015 PMID: 25741868, with internal and published modifications).